The following is an entry in ClinVar:

ClinVar aggregate classification (germline): Benign/Likely benign. Review status: criteria provided, multiple submitters, no conflicts (2 of 4 stars). 5 submissions from 5 submitters: Benign (1); Likely benign (4). Last evaluated 2025-10-28.

Conditions:
Alzheimer disease 4 (AD4). Identifiers: Orphanet 1020, MedGen C1847200, MONDO:0011743, OMIM 606889.
PSEN2-related disorder. Also called: PSEN2-related condition.
Dilated cardiomyopathy 1V (CMD1V). Identifiers: Orphanet 154, MedGen C3150958, MONDO:0013373, OMIM 613697.

Allele frequency attached by ClinVar (database versions not stated): gnomAD exomes 0.00022; ExAC 0.00028; ESP Exome Variant Server 0.00054; TOPMed 0.00057; gnomAD 0.00061 and 0.00063; 1000 Genomes Project 0.00080; 1000 Genomes Project 30x 0.00109.
gnomAD v4.1: 184 of 1,614,134 alleles (0.011%); highest among the groups gnomAD compares: African/African-American, 0.19%; no homozygotes.

Submissions (5):

Women's Health and Genetics/Laboratory Corporation of America, LabCorp
Classification: Likely benign. Last evaluated: 2025-10-28. Review status: criteria provided, single submitter. Criteria: LabCorp Variant Classification Summary - May 2015. Collection method: clinical testing. Allele origin: germline.
Comment: Variant summary: PSEN2 c.162G>C (p.Glu54Asp) results in a conservative amino acid change in the encoded protein sequence. Algorithms developed to predict the effect of missense changes on protein structure and function are either unavailable or do not agree on the potential impact of this missense change. The variant allele was found at a frequency of 0.00022 in 250756 control chromosomes, predominantly at a frequency of 0.0027 within the African or African-American subpopulation in the gnomAD database. The observed variant frequency within African or African-American control individuals in the gnomAD database exceeds the estimated maximal expected allele frequency for disease-causing variants in PSEN2. To our knowledge, no occurrence of c.162G>C in individuals affected with PSEN2-related conditions and no experimental evidence demonstrating its impact on protein function have been reported. ClinVar contains an entry for this variant (Variation ID: 705672). Based on the evidence outlined above, the variant was classified as likely benign.

Mayo Clinic Laboratories, Mayo Clinic
Classification: Benign. Last evaluated: 2025-02-26. Review status: criteria provided, single submitter. Criteria: ACMG Guidelines, 2015. Collection method: clinical testing. Allele origin: germline. Observed: 2 variant alleles.
Comment: BS1, BS2

PreventionGenetics, part of Exact Sciences
Classification: Likely benign for PSEN2-related condition. Last evaluated: 2024-11-25. Review status: criteria provided, single submitter. Criteria: ACMG Guidelines, 2015. Collection method: clinical testing. Allele origin: germline.
Comment: This variant is classified as likely benign based on ACMG/AMP sequence variant interpretation guidelines (Richards et al. 2015 PMID: 25741868, with internal and published modifications).

Labcorp Genetics (formerly Invitae), Labcorp
Classification: Likely benign for Alzheimer disease 4. Last evaluated: 2024-03-05. Review status: criteria provided, single submitter. Criteria: Invitae Variant Classification Sherloc (09022015). Collection method: clinical testing. Allele origin: germline.

Fulgent Genetics
Classification: Likely benign for Alzheimer disease 4; Dilated cardiomyopathy 1V. Last evaluated: 2022-05-11. Review status: criteria provided, single submitter. Criteria: ACMG Guidelines, 2015. Collection method: clinical testing. Allele origin: unknown.

Literature cited by the submitters: PubMed 23383383 (cited by Mayo Clinic Laboratories, Mayo Clinic).

NM_000447.3(PSEN2):c.162G>C (p.Glu54Asp)

Gene: PSEN2 (presenilin 2; plus strand). Cytogenetic location: 1q42.13.
Variant type: single nucleotide variant.
Coding change: c.162G>C on transcript NM_000447.3 (MANE Select); coding-DNA position 162, G replaced by C.
Protein change: p.Glu54Asp; replaces glutamic acid 54 with aspartic acid.
Molecular consequence: missense variant.
Genome position (GRCh38, 1-based): chr1:226,883,725, G>C. VCF-style: chr1-226883725-G-C. GRCh37 (hg19) VCF-style: chr1-227071426-G-C.
Other names: p.Glu54Asp; c.162G>C, p.Glu54Asp (NM_012486.3); short protein forms E54D.
Identifiers: ClinVar variation 705672 (VCV000705672.13), dbSNP rs146894466, ClinGen allele CA1424429.
Genomic context (GRCh38, chr1:226,883,725, plus strand): 5'-GGGGGACATTCTGCGGCCCTCACGATGTGGTTTCCCACAGAGAAGCCAGGAGAACGAGGA[G>C]GACGGTGAGGAGGACCCTGACCGCTATGTCTGTAGTGGGGTTCCCGGGCGGCCGCCAGGC-3'
Protein context (NP_000438.2, residues 44-64): TAQWRSQENE[Glu54Asp]DGEEDPDRYV